The following is an entry in ClinVar:

ClinVar aggregate classification (germline): Uncertain significance (1 of 4 stars; one submission).

Conditions:
Hereditary sensory and autonomic neuropathy type 7. Also called: HSAN VII; Neuropathy, hereditary sensory and autonomic, type VII. Identifiers: Orphanet 391397, MedGen C3809882, MONDO:0014244, OMIM 615548.
Familial episodic pain syndrome with predominantly lower limb involvement. Also called: Episodic pain syndrome, familial, 3. Identifiers: Orphanet 391384, Orphanet 391392, MedGen C3809899, MONDO:0014247, OMIM 615552.

gnomAD v4.1: 4 of 1,610,274 alleles (0.00025%); highest among the groups gnomAD compares: Non-Finnish European, 0.00034%; no homozygotes.

Submission:

Labcorp Genetics (formerly Invitae), Labcorp
Classification: Uncertain significance for Familial episodic pain syndrome with predominantly lower limb involvement; Hereditary sensory and autonomic neuropathy type 7. Last evaluated: 2024-06-29. Review status: criteria provided, single submitter. Criteria: Invitae Variant Classification Sherloc (09022015). Collection method: clinical testing. Allele origin: germline.
Comment: This sequence change replaces alanine, which is neutral and non-polar, with proline, which is neutral and non-polar, at codon 681 of the SCN11A protein (p.Ala681Pro). This variant is not present in population databases (gnomAD no frequency). This variant has not been reported in the literature in individuals affected with SCN11A-related conditions. Advanced modeling of protein sequence and biophysical properties (such as structural, functional, and spatial information, amino acid conservation, physicochemical variation, residue mobility, and thermodynamic stability) performed at Invitae indicates that this missense variant is expected to disrupt SCN11A protein function with a positive predictive value of 80%. In summary, the available evidence is currently insufficient to determine the role of this variant in disease. Therefore, it has been classified as a Variant of Uncertain Significance.

NM_001349253.2(SCN11A):c.2041G>C (p.Ala681Pro)

Gene: SCN11A (sodium voltage-gated channel alpha subunit 11; minus strand). Cytogenetic location: 3p22.2.
Variant type: single nucleotide variant.
Coding change: c.2041G>C on transcript NM_001349253.2 (MANE Select); coding-DNA position 2041, G replaced by C.
Protein change: p.Ala681Pro; replaces alanine 681 with proline.
Molecular consequence: missense variant.
Genome position (GRCh38, 1-based): chr3:38,897,207, C>G on the plus strand (G>C on the coding strand, the complement: SCN11A is on the minus strand). VCF-style: chr3-38897207-C-G. GRCh37 (hg19) VCF-style: chr3-38938698-C-G.
Other names: c.2041G>C, p.Ala681Pro (NM_014139.3); short protein forms A681P.
Identifiers: ClinVar variation 3749096 (VCV003749096.2).